The following is an entry in ClinVar:

NM_172245.4(CSF2RA):c.69G>T (p.Glu23Asp)

Gene: CSF2RA (colony stimulating factor 2 receptor subunit alpha; plus strand). Cytogenetic location: Xp22.33.
Variant type: single nucleotide variant.
Coding change: c.69G>T on transcript NM_172245.4 (MANE Select); coding-DNA position 69, G replaced by T.
Protein change: p.Glu23Asp; replaces glutamic acid 23 with aspartic acid.
Molecular consequence: missense variant. On other transcripts: 5 prime UTR variant (1), non-coding transcript variant (1).
Genome position (GRCh38, 1-based): chrX:1,282,772, G>T. VCF-style: chrX-1282772-G-T. GRCh37 (hg19) VCF-style: chrX-1401665-G-T.
Other names: c.69G>T, p.Glu23Asp (NM_001161529.2, NM_001161530.2, NM_001161531.2 and 20 more transcripts); c.-188G>T (NM_001161532.2); short protein forms E23D.
Identifiers: ClinVar variation 648823 (VCV000648823.1), dbSNP rs1603424196, ClinGen allele CA412234473.

ClinVar aggregate classification (germline): Uncertain significance (1 of 4 stars; one submission).

Conditions:
Surfactant metabolism dysfunction, pulmonary, 4 (SMDP4). Also called: PAP DUE TO CSF2RA DEFICIENCY; PULMONARY ALVEOLAR PROTEINOSIS, CONGENITAL, 4; CSF2RA DEFICIENCY. Identifiers: Orphanet 264675, MedGen C2677877, MONDO:0010424, OMIM 300770.

Submission:

Labcorp Genetics (formerly Invitae), Labcorp
Classification: Uncertain significance for Surfactant metabolism dysfunction, pulmonary, 4. Last evaluated: 2018-09-13. Review status: criteria provided, single submitter. Criteria: Invitae Variant Classification Sherloc (09022015). Collection method: clinical testing. Allele origin: germline.
Comment: This sequence change replaces glutamic acid with aspartic acid at codon 23 of the CSF2RA protein (p.Glu23Asp). The glutamic acid residue is moderately conserved and there is a small physicochemical difference between glutamic acid and aspartic acid. This variant is not present in population databases (ExAC no frequency). This variant has not been reported in the literature in individuals with CSF2RA-related disease. Algorithms developed to predict the effect of missense changes on protein structure and function are either unavailable or do not agree on the potential impact of this missense change (SIFT: "Tolerated"; PolyPhen-2: "Not Available"; Align-GVGD: "Class C0"). In summary, the available evidence is currently insufficient to determine the role of this variant in disease. Therefore, it has been classified as a Variant of Uncertain Significance.